The following is an entry in ClinVar:

NM_000051.4(ATM):c.5070del (p.His1690fs)

Gene: ATM (ATM serine/threonine kinase; plus strand). Cytogenetic location: 11q22.3.
Variant type: Deletion.
Coding change: c.5070del on transcript NM_000051.4 (MANE Select); coding-DNA position 5070, one base deleted (T; older notation c.5070delT).
Protein change: p.His1690fs; shifts the reading frame from histidine 1690.
Molecular consequence: frameshift variant.
Genome position (GRCh38, 1-based): chr11:108,299,778, T deleted. VCF-style (leftmost placement, unchanged base first): chr11-108299777-AT-A. GRCh37 (hg19) VCF-style: chr11-108170504-AT-A.
Other names: c.5070del, p.His1690fs (NM_001351834.2); c.5070delT (NM_000051.3); short protein forms H1690fs.
Identifiers: ClinVar variation 952378 (VCV000952378.9), dbSNP rs2083325659, ClinGen allele CA1139662313.

ClinVar aggregate classification (germline): Pathogenic. Review status: criteria provided, multiple submitters, no conflicts (2 of 4 stars). 3 submissions from 3 submitters: Pathogenic (3). Last evaluated 2024-11-24.

Conditions:
Hereditary cancer-predisposing syndrome. Also called: Hereditary neoplastic syndrome; Tumor predisposition; Neoplastic Syndromes, Hereditary; Hereditary Cancer Syndrome. Identifiers: Orphanet 140162, MedGen C0027672, MeSH D009386, MONDO:0015356.
Familial cancer of breast. Also called: Hereditary breast cancer; hereditary breast carcinoma; BREAST CANCER, FAMILIAL. Identifiers: Orphanet 227535, MedGen C0346153, MONDO:0016419, OMIM 114480. Disease mechanism: loss of function.
Ataxia-telangiectasia syndrome (AT). Also called: LOUIS-BAR SYNDROME; Ataxia telangiectasia (A-T); Cerebello-oculocutaneous telangiectasia; Immunodeficiency with ataxia telangiectasia; ATAXIA-TELANGIECTASIA, COMPLEMENTATION GROUP A; ATAXIA-TELANGIECTASIA, FRESNO VARIANT. Identifiers: Orphanet 100, MedGen C0004135, MONDO:0008840, OMIM 208900.

Allele frequency attached by ClinVar (database versions not stated): gnomAD exomes below 0.00001.

Submissions (3):

Labcorp Genetics (formerly Invitae), Labcorp
Classification: Pathogenic for Ataxia-telangiectasia syndrome. Last evaluated: 2024-11-24. Review status: criteria provided, single submitter. Criteria: Invitae Variant Classification Sherloc (09022015). Collection method: clinical testing. Allele origin: germline.
Comment: This sequence change creates a premature translational stop signal (p.His1690Glnfs*24) in the ATM gene. It is expected to result in an absent or disrupted protein product. Loss-of-function variants in ATM are known to be pathogenic (PMID: 23807571, 25614872). This variant is not present in population databases (gnomAD no frequency). This variant has not been reported in the literature in individuals affected with ATM-related conditions. ClinVar contains an entry for this variant (Variation ID: 952378). For these reasons, this variant has been classified as Pathogenic.

Ambry Genetics
Classification: Pathogenic for Hereditary cancer-predisposing syndrome. Last evaluated: 2024-07-15. Review status: criteria provided, single submitter. Criteria: Ambry Variant Classification Scheme 2023. Collection method: clinical testing. Allele origin: germline.
Comment: The c.5070delT pathogenic mutation, located in coding exon 33 of the ATM gene, results from a deletion of one nucleotide at nucleotide position 5070, causing a translational frameshift with a predicted alternate stop codon (p.H1690Qfs*24). This variant is considered to be rare based on population cohorts in the Genome Aggregation Database (gnomAD). This alteration is expected to result in loss of function by premature protein truncation or nonsense-mediated mRNA decay. As such, this alteration is interpreted as a disease-causing mutation.

Myriad Genetics, Inc.
Classification: Pathogenic for Familial cancer of breast. Last evaluated: 2024-05-16. Review status: criteria provided, single submitter. Criteria: Myriad Autosomal Dominant, Autosomal Recessive and X-Linked Classification Criteria (2023). Collection method: clinical testing. Allele origin: unknown.
Comment: This variant is considered pathogenic. This variant creates a frameshift predicted to result in premature protein truncation.

Literature cited by the submitters: PubMed 23807571 (cited by Labcorp Genetics (formerly Invitae), Labcorp); PubMed 25614872 (cited by Labcorp Genetics (formerly Invitae), Labcorp).